The following is an entry in ClinVar:

ClinVar aggregate classification (germline): Uncertain significance (1 of 4 stars; one submission).

Conditions:
Multiple endocrine neoplasia, type 1 (MEN1). Also called: MEN I; WERMER SYNDROME; Endocrine adenomatosis multiple; MEN 1; MEA I. Identifiers: Orphanet 652, MedGen C0025267, MeSH D018761, MONDO:0007540, OMIM 131100.

Submission:

Labcorp Genetics (formerly Invitae), Labcorp
Classification: Uncertain significance for Multiple endocrine neoplasia, type 1. Last evaluated: 2024-04-25. Review status: criteria provided, single submitter. Criteria: Invitae Variant Classification Sherloc (09022015). Collection method: clinical testing. Allele origin: germline.
Comment: This sequence change replaces serine, which is neutral and polar, with cysteine, which is neutral and slightly polar, at codon 402 of the MEN1 protein (p.Ser402Cys). This variant is not present in population databases (gnomAD no frequency). This variant has not been reported in the literature in individuals affected with MEN1-related conditions. Advanced modeling of protein sequence and biophysical properties (such as structural, functional, and spatial information, amino acid conservation, physicochemical variation, residue mobility, and thermodynamic stability) performed at Invitae indicates that this missense variant is expected to disrupt MEN1 protein function with a positive predictive value of 95%. In summary, the available evidence is currently insufficient to determine the role of this variant in disease. Therefore, it has been classified as a Variant of Uncertain Significance.

NM_001370259.2(MEN1):c.1205C>G (p.Ser402Cys)

Gene: MEN1 (menin 1; minus strand). Cytogenetic location: 11q13.1.
Variant type: single nucleotide variant.
Coding change: c.1205C>G on transcript NM_001370259.2 (MANE Select); coding-DNA position 1205, C replaced by G.
Protein change: p.Ser402Cys; replaces serine 402 with cysteine.
Molecular consequence: missense variant. On other transcripts: non-coding transcript variant (4), intron variant (1).
Genome position (GRCh38, 1-based): chr11:64,805,179, G>C on the plus strand (C>G on the coding strand, the complement: MEN1 is on the minus strand). VCF-style: chr11-64805179-G-C. GRCh37 (hg19) VCF-style: chr11-64572651-G-C.
Other names: c.1220C>G, p.Ser407Cys (NM_000244.4, NM_001407145.1, NM_130800.3 and 4 more transcripts); c.1331C>G, p.Ser444Cys (NM_001370251.2, NM_001407142.1, NM_001407143.1 and 1 more transcripts); c.1205C>G, p.Ser402Cys (NM_001370260.2, NM_001370261.2, NM_001407146.1 and 2 more transcripts); c.1100C>G, p.Ser367Cys (NM_001370262.2, NM_001370263.2, NM_001407148.1 and 1 more transcripts); c.1346C>G, p.Ser449Cys (NM_001407150.1); c.1226C>G, p.Ser409Cys (NM_001407151.1); c.1186-363C>G (NM_001407152.1); short protein forms S409C, S402C, S407C, S449C, S444C, S367C.
Identifiers: ClinVar variation 3634192 (VCV003634192.2).
Genomic context (GRCh38, chr11:64,805,179, plus strand): 5'-TTGCAGATGCCGTCGTAGAATCGCAGCAGGTGGGCGAAGCACTCAGGGTCCTGGAGGGCG[G>C]AACCTTGGCTCTGGGTGCCCTGGACGAGGGGGAAGGGAGGGCACAGATCAGTCTCTTACT-3'
Protein context (NP_001357188.2, residues 392-412): EQSQGTQSQG[Ser402Cys]ALQDPECFAH